The following is an entry in ClinVar:

ClinVar aggregate classification (germline): Uncertain significance (1 of 4 stars; one submission).

gnomAD v4.1: 4 of 1,613,890 alleles (0.00025%); no homozygotes.

Submission:

Labcorp Genetics (formerly Invitae), Labcorp
Classification: Uncertain significance. Last evaluated: 2023-11-16. Review status: criteria provided, single submitter. Criteria: Invitae Variant Classification Sherloc (09022015). Collection method: clinical testing. Allele origin: germline.
Comment: This sequence change replaces alanine, which is neutral and non-polar, with glutamic acid, which is acidic and polar, at codon 424 of the LCT protein (p.Ala424Glu). This variant is not present in population databases (gnomAD no frequency). This variant has not been reported in the literature in individuals affected with LCT-related conditions. An algorithm developed to predict the effect of missense changes on protein structure and function (PolyPhen-2) suggests that this variant is likely to be tolerated. In summary, the available evidence is currently insufficient to determine the role of this variant in disease. Therefore, it has been classified as a Variant of Uncertain Significance.

NM_002299.4(LCT):c.1271C>A (p.Ala424Glu)

Genes: LCT (lactase; minus strand), LOC126806353 (BRD4-independent group 4 enhancer GRCh37_chr2:136574960-136576159; plus strand). Cytogenetic location: 2q21.3.
Variant type: single nucleotide variant.
Coding change: c.1271C>A on transcript NM_002299.4 (MANE Select); coding-DNA position 1271, C replaced by A.
Protein change: p.Ala424Glu; replaces alanine 424 with glutamic acid.
Molecular consequence: missense variant.
Genome position (GRCh38, 1-based): chr2:135,817,777, G>T on the plus strand (C>A on the coding strand, the complement: LCT is on the minus strand). VCF-style: chr2-135817777-G-T. GRCh37 (hg19) VCF-style: chr2-136575347-G-T.
Other names: short protein forms A424E.
Identifiers: ClinVar variation 2694164 (VCV002694164.3), dbSNP rs868499747, ClinGen allele CA348606537.
Genomic context (GRCh38, chr2:135,817,777, plus strand): 5'-CAAAGCAGGGCGACGTCAGAGGCTACCTTGTGGTAACTGTCGCTGGCCACCTCCAGCGTC[G>T]CTTGGCCCTCAGTGGTGTTCAGGGGCCTGCGTGGATCCCAGATGCTCACCCCTCTCCCAC-3'
Protein context (NP_002290.2, residues 414-434): RRPLNTTEGQ[Ala424Glu]TLEVASDSYH